The following is an entry in ClinVar:

ClinVar aggregate classification (germline): Pathogenic. Review status: criteria provided, multiple submitters, no conflicts (2 of 4 stars). 2 submissions from 2 submitters: Pathogenic (2). Last evaluated 2025-12-30.

Conditions:
Wiedemann-Steiner syndrome (WDSTS). Also called: Growth deficiency and mental retardation with facial dysmorphism. Identifiers: Orphanet 319182, MedGen C1854630, MONDO:0011518, OMIM 605130.

Submissions (2):

Variantyx, Inc.
Classification: Pathogenic for Wiedemann-Steiner syndrome. Last evaluated: 2025-12-30. Review status: criteria provided, single submitter. Criteria: Variantyx Assertion Criteria 2022. Collection method: clinical testing. Allele origin: de novo. Inheritance: Autosomal dominant inheritance. Affected: yes.
Comment: This is a frameshift variant in the KMT2A gene (OMIM: 159555). Pathogenic variants in this gene have been associated with autosomal dominant Wiedemann-Steiner syndrome. This variant introduces a premature termination codon in exon 25 out of 36and is expected to result in loss of function, which is a known disease mechanism for KMT2A in this disorder (PMID: 27759909, 24818805, 29574747, 25810209, 22795537) (PVS1). This variant is absent from control populations (PM2). Based on the current evidence, this variant is classified as pathogenic for autosomal dominant Wiedemann-Steiner syndrome.

Labcorp Genetics (formerly Invitae), Labcorp
Classification: Pathogenic. Last evaluated: 2024-10-17. Review status: criteria provided, single submitter. Criteria: Invitae Variant Classification Sherloc (09022015). Collection method: clinical testing. Allele origin: germline.
Comment: This sequence change creates a premature translational stop signal (p.Cys2072Tyrfs*21) in the KMT2A gene. It is expected to result in an absent or disrupted protein product. Loss-of-function variants in KMT2A are known to be pathogenic (PMID: 22795537, 25810209, 29574747). This variant is not present in population databases (gnomAD no frequency). This variant has not been reported in the literature in individuals affected with KMT2A-related conditions. For these reasons, this variant has been classified as Pathogenic.

Literature cited by the submitters: PubMed 27759909 (cited by Variantyx, Inc.); PubMed 24818805 (cited by Variantyx, Inc.); PubMed 29574747 (cited by Variantyx, Inc. and Labcorp Genetics (formerly Invitae), Labcorp); PubMed 25810209 (cited by Variantyx, Inc. and Labcorp Genetics (formerly Invitae), Labcorp); PubMed 22795537 (cited by Variantyx, Inc. and Labcorp Genetics (formerly Invitae), Labcorp).

NM_001197104.2(KMT2A):c.6211_6214dup (p.Cys2072fs)

Gene: KMT2A (lysine methyltransferase 2A; plus strand). Cytogenetic location: 11q23.3.
Variant type: Duplication.
Coding change: c.6211_6214dup on transcript NM_001197104.2 (MANE Select); coding-DNA positions 6211 to 6214, 4 bases duplicated (ACAT; older notation c.6211_6214dupACAT).
Protein change: p.Cys2072fs; shifts the reading frame from cysteine 2072.
Molecular consequence: frameshift variant.
Genome position (GRCh38, 1-based): chr11:118,501,039-118,501,042, ACAT duplicated; duplicating any 4 consecutive bases within chr11:118,501,037-118,501,042 gives the same sequence; the c. name uses the placement nearest the transcript's 3' end. VCF-style (leftmost placement, unchanged base first): chr11-118501036-T-TATAC. GRCh37 (hg19) VCF-style: chr11-118371751-T-TATAC.
Other names: c.6301_6304dup, p.Cys2102fs (NM_001412597.1); c.6202_6205dup, p.Cys2069fs (NM_005933.4); short protein forms C2102fs, C2069fs, C2072fs.
Identifiers: ClinVar variation 2854368 (VCV002854368.3), dbSNP rs2496979158, ClinGen allele CA2739271702.